The following is an entry in ClinVar:

ClinVar aggregate classification (germline): Likely benign. Review status: criteria provided, single submitter (1 of 4 stars). 2 submissions from 2 submitters: Likely benign (1). 1 of the submissions does not count toward it. Last evaluated 2025-09-10.

Conditions:
KIF1A-related disorder. Also called: KIF1A-related disorders; KIF1A-related condition.
Hereditary spastic paraplegia 30. Identifiers: Orphanet 101010, MedGen C5235139, MONDO:0012476.
Neuropathy, hereditary sensory, type 2C. Also called: KIF1A-Related HSAN2 (HSAN2C); Hereditary sensory and autonomic neuropathy type IIC. Identifiers: Orphanet 970, MedGen C3280168, MONDO:0013634, OMIM 614213.
Intellectual disability, autosomal dominant 9 (NESCAVS). Also called: KIF1A-Related Neurodevelopmental Disorder; NESCAV SYNDROME. Identifiers: Orphanet 662367, MedGen C5393830, MONDO:0013656, OMIM 614255.

Allele frequency attached by ClinVar (database versions not stated): TOPMed 0.00020; ESP Exome Variant Server 0.00023; 1000 Genomes Project 0.00040; 1000 Genomes Project 30x 0.00047; gnomAD exomes 0.00003; ExAC 0.00004; gnomAD 0.00013.
gnomAD v4.1: 44 of 1,613,582 alleles (0.0027%); highest among the groups gnomAD compares: African/African-American, 0.055%; no homozygotes.

Submissions (2):

Labcorp Genetics (formerly Invitae), Labcorp
Classification: Likely benign for Hereditary spastic paraplegia 30; Neuropathy, hereditary sensory, type 2C; Intellectual disability, autosomal dominant 9. Last evaluated: 2025-09-10. Review status: criteria provided, single submitter. Criteria: Invitae Variant Classification Sherloc (09022015). Collection method: clinical testing. Allele origin: germline.

PreventionGenetics, part of Exact Sciences
Classification: Likely benign for KIF1A-related condition. Last evaluated: 2024-04-03. Review status: no assertion criteria provided. Collection method: clinical testing. Allele origin: germline. Not counted in ClinVar's aggregate classification.
Comment: This variant is classified as likely benign based on ACMG/AMP sequence variant interpretation guidelines (Richards et al. 2015 PMID: 25741868, with internal and published modifications).

NM_001244008.2(KIF1A):c.1233C>T (p.Ser411=)

Gene: KIF1A (kinesin family member 1A; minus strand). Cytogenetic location: 2q37.3.
Variant type: single nucleotide variant.
Coding change: c.1233C>T on transcript NM_001244008.2 (MANE Select); coding-DNA position 1233, C replaced by T.
Protein change: p.Ser411=; no amino-acid change (serine 411 retained).
Molecular consequence: synonymous variant.
Genome position (GRCh38, 1-based): chr2:240,771,079, G>A on the plus strand (C>T on the coding strand, the complement: KIF1A is on the minus strand). VCF-style: chr2-240771079-G-A. GRCh37 (hg19) VCF-style: chr2-241710496-G-A.
Other names: c.1233C>T, p.Ser411= (NM_001320705.2, NM_001330289.2, NM_001379638.1); c.1308C>T, p.Ser436= (NM_001330290.2, NM_001379631.1, NM_001379634.1 and 2 more transcripts); c.1206C>T, p.Ser402= (NM_001379632.1, NM_001379633.1, NM_001379636.1 and 10 more transcripts); c.1281C>T, p.Ser427= (NM_001379637.1, NM_001379648.1); c.1233C>T (NM_001244008.1).
Identifiers: ClinVar variation 771829 (VCV000771829.10), dbSNP rs201140044, ClinGen allele CA2208472.